The following is an entry in ClinVar:

NM_000359.3(TGM1):c.1314G>C (p.Trp438Cys)

Gene: TGM1 (transglutaminase 1; minus strand). Cytogenetic location: 14q12.
Variant type: single nucleotide variant.
Coding change: c.1314G>C on transcript NM_000359.3 (MANE Select); coding-DNA position 1314, G replaced by C.
Protein change: p.Trp438Cys; replaces tryptophan 438 with cysteine.
Molecular consequence: missense variant.
Genome position (GRCh38, 1-based): chr14:24,258,373, C>G on the plus strand (G>C on the coding strand, the complement: TGM1 is on the minus strand). VCF-style: chr14-24258373-C-G. GRCh37 (hg19) VCF-style: chr14-24727579-C-G.
Other names: short protein forms W438C.
Identifiers: ClinVar variation 4750905 (VCV004750905.1).

ClinVar aggregate classification (germline): Likely pathogenic (1 of 4 stars; one submission).

Submission:

Labcorp Genetics (formerly Invitae), Labcorp
Classification: Likely pathogenic. Last evaluated: 2026-01-25. Review status: criteria provided, single submitter. Criteria: Invitae Variant Classification Sherloc (09022015). Collection method: clinical testing. Allele origin: germline.
Comment: This sequence change replaces tryptophan, which is neutral and slightly polar, with cysteine, which is neutral and slightly polar, at codon 438 of the TGM1 protein (p.Trp438Cys). This variant is not present in population databases (gnomAD no frequency). This missense change has been observed in individual(s) with clinical features of congenital ichthyosis (internal data). In at least one individual the data is consistent with being in trans (on the opposite chromosome) from a pathogenic variant. Invitae Evidence Modeling of protein sequence and biophysical properties (such as structural, functional, and spatial information, amino acid conservation, physicochemical variation, residue mobility, and thermodynamic stability) indicates that this missense variant is expected to disrupt TGM1 protein function with a positive predictive value of 95%. In summary, the currently available evidence indicates that the variant is pathogenic, but additional data are needed to prove that conclusively. Therefore, this variant has been classified as Likely Pathogenic.